The following is an entry in ClinVar:

ClinVar aggregate classification (germline): Uncertain significance (1 of 4 stars; one submission).

Conditions:
Hyperuricemic nephropathy, familial juvenile type 4 (ADTKD5). Identifiers: MedGen C4310741, MONDO:0014891, OMIM 617056.

Submission:

Juno Genomics, Hangzhou Juno Genomics, Inc
Classification: Uncertain significance for Hyperuricemic nephropathy, familial juvenile type 4. Review status: criteria provided, single submitter. Criteria: ACMG Guidelines, 2015. Collection method: clinical testing. Allele origin: germline.
Comment: Absent from controls (or at extremely low frequency if recessive) in Genome Aggregation Database.;De novo (both maternity and paternity confirmed) in a patient with the disease and no family history.;Missense variant in a gene that has a low rate of benign missense variation.

NM_013336.4(SEC61A1):c.787G>A (p.Val263Met)

Genes: RUVBL1 (RuvB like AAA ATPase 1; minus strand), SEC61A1 (SEC61 translocon subunit alpha 1; plus strand). Cytogenetic location: 3q21.3.
Variant type: single nucleotide variant.
Coding change: c.787G>A on transcript NM_013336.4 (MANE Select); coding-DNA position 787, G replaced by A.
Protein change: p.Val263Met; replaces valine 263 with methionine.
Molecular consequence: missense variant. On other transcripts: intron variant (1).
Genome position (GRCh38, 1-based): chr3:128,066,963, G>A. VCF-style: chr3-128066963-G-A. GRCh37 (hg19) VCF-style: chr3-127785806-G-A.
Other names: c.805G>A, p.Val269Met (NM_001400328.1); c.628G>A, p.Val210Met (NM_001400329.1); c.940-1743C>T (NM_001319086.1); short protein forms V269M, V210M, V263M.
Identifiers: ClinVar variation 5006532 (VCV005006532.2).